The following is an entry in ClinVar:

NM_000543.5(SMPD1):c.836del (p.Gly279fs)

Gene: SMPD1 (sphingomyelin phosphodiesterase 1; plus strand). Cytogenetic location: 11p15.4.
Variant type: Deletion.
Coding change: c.836del on transcript NM_000543.5 (MANE Select); coding-DNA position 836, one base deleted (G; older notation c.836delG).
Protein change: p.Gly279fs; shifts the reading frame from glycine 279.
Molecular consequence: frameshift variant. On other transcripts: 5 prime UTR variant (1), non-coding transcript variant (1).
Genome position (GRCh38, 1-based): chr11:6,391,901, G deleted; the last of 2 consecutive G bases (chr11:6,391,900-6,391,901); deleting either gives the same sequence. VCF-style (leftmost placement, unchanged base first): chr11-6391899-AG-A. GRCh37 (hg19) VCF-style: chr11-6413129-AG-A.
Other names: c.833del, p.Gly278fs (NM_001007593.3); c.836del, p.Gly279fs (NM_001318087.2, NM_001365135.2); c.-126del (NM_001318088.2); short protein forms G278fs, G279fs.
Identifiers: ClinVar variation 4814357 (VCV004814357.1).

ClinVar aggregate classification (germline): Likely pathogenic (1 of 4 stars; one submission).

Conditions:
Niemann-Pick disease, type A. Also called: SPHINGOMYELIN LIPIDOSIS; SPHINGOMYELINASE DEFICIENCY; Infantile Neurovisceral ASMD (Niemann-Pick Disease Type A; NPD-A). Identifiers: Orphanet 77292, MedGen C0268242, MONDO:0009756, OMIM 257200. Disease mechanism: loss of function.

Submission:

Natera, Inc.
Classification: Likely pathogenic for Niemann-Pick Disease, Types A/B. Last evaluated: 2024-08-14. Review status: criteria provided, single submitter. Criteria: Natera Variant Classification Schema (03/2026). Collection method: clinical testing. Allele origin: germline.
Comment: The c.836del variant in SMPD1 is a frameshift variant predicted to shift the reading frame beginning at codon 279 and leads to a stop codon 20 codons downstream. This variant is expected to result in nonsense mediated decay, truncation, or a dysfunctional protein product. This variant is rare in the general population with a frequency below the threshold expected for the associated phenotype(s). Given the available evidence, this variant is classified as Likely Pathogenic.